The following is an entry in ClinVar:

ClinVar aggregate classification (germline): Uncertain significance (1 of 4 stars; one submission).

gnomAD v4.1: 1 of 1,611,396 alleles (0.000062%); highest among the groups gnomAD compares: Non-Finnish European, 0.000085%; no homozygotes.

Submission:

Dasa
Classification: Uncertain significance. Last evaluated: 2025-02-26. Review status: criteria provided, single submitter. Criteria: DASA Assertion Criteria. Collection method: clinical testing. Allele origin: germline.
Comment: NM_025144.4(ALPK1):c.782C>T (p.Pro261Leu) is a missense variant that results in the substitution of proline with leucine. This variant is rare in population databases. Computational prediction algorithms are consistent with a benign effect. The currently available literature and clinical evidence are not sufficient to establish a definitive association between this variant and the reported condition. Therefore, this variant is classified as a variant of uncertain significance.

NM_025144.4(ALPK1):c.782C>T (p.Pro261Leu)

Gene: ALPK1 (alpha kinase 1; plus strand). Cytogenetic location: 4q25.
Variant type: single nucleotide variant.
Coding change: c.782C>T on transcript NM_025144.4 (MANE Select); coding-DNA position 782, C replaced by T.
Protein change: p.Pro261Leu; replaces proline 261 with leucine.
Molecular consequence: missense variant.
Genome position (GRCh38, 1-based): chr4:112,427,652, C>T. VCF-style: chr4-112427652-C-T. GRCh37 (hg19) VCF-style: chr4-113348808-C-T.
Other names: c.782C>T, p.Pro261Leu (NM_001102406.2); c.548C>T, p.Pro183Leu (NM_001253884.2); short protein forms P183L, P261L.
Identifiers: ClinVar variation 4886650 (VCV004886650.2).